The following is an entry in ClinVar:

NM_017617.5(NOTCH1):c.5500C>G (p.Leu1834Val)

Gene: NOTCH1 (notch receptor 1; minus strand). Cytogenetic location: 9q34.3.
Variant type: single nucleotide variant.
Coding change: c.5500C>G on transcript NM_017617.5 (MANE Select); coding-DNA position 5500, C replaced by G.
Protein change: p.Leu1834Val; replaces leucine 1834 with valine.
Molecular consequence: missense variant.
Genome position (GRCh38, 1-based): chr9:136,501,886, G>C on the plus strand (C>G on the coding strand, the complement: NOTCH1 is on the minus strand). VCF-style: chr9-136501886-G-C. GRCh37 (hg19) VCF-style: chr9-139396338-G-C.
Other names: c.5500C>G, p.Leu1834Val (LRG_1122t1); short protein forms L1834V.
Identifiers: ClinVar variation 477947 (VCV000477947.10), dbSNP rs73668312, ClinGen allele CA375639462.
Genomic context (GRCh38, chr9:136,501,886, plus strand): 5'-GCAGGTCAGCGGCATCCAGGTGCTGCTGAGTCCACTGCCGGTGGTCTGTCTGGTCGTCCA[G>C]GTCAGGCAGAACCACGGGCTCCTCGAACTACATAGAGGGAGTGAGCAGAGCCTGTCAGGG-3'
Protein context (NP_060087.3, residues 1824-1844): RFEEPVVLPD[Leu1834Val]DDQTDHRQWT

ClinVar aggregate classification (germline): Uncertain significance. Review status: criteria provided, multiple submitters, no conflicts (2 of 4 stars). 3 submissions from 3 submitters: Uncertain significance (3). Last evaluated 2025-08-14.

Conditions:
Adams-Oliver syndrome 5 (AOS5). Identifiers: Orphanet 974, MedGen C4014970, MONDO:0014459, OMIM 616028.
Familial thoracic aortic aneurysm and aortic dissection (TAAD). Also called: Thoracic aortic aneurysms and dissections. Identifiers: Orphanet 91387, MedGen C4707243, MONDO:0019625.

gnomAD v4.1: 3 of 1,612,128 alleles (0.00019%); highest among the groups gnomAD compares: African/African-American, 0.0013%; no homozygotes.

Submissions (3):

Ambry Genetics
Classification: Uncertain significance for Familial thoracic aortic aneurysm and aortic dissection. Last evaluated: 2025-08-14. Review status: criteria provided, single submitter. Criteria: Ambry Variant Classification Scheme 2023. Collection method: clinical testing. Allele origin: germline.

Blueprint Genetics
Classification: Uncertain significance. Last evaluated: 2024-03-08. Review status: criteria provided, single submitter. Criteria: ACMG Guidelines, 2015. Collection method: clinical testing. Allele origin: germline.

Labcorp Genetics (formerly Invitae), Labcorp
Classification: Uncertain significance for Adams-Oliver syndrome 5. Last evaluated: 2022-10-13. Review status: criteria provided, single submitter. Criteria: Invitae Variant Classification Sherloc (09022015). Collection method: clinical testing. Allele origin: germline.
Comment: In summary, the available evidence is currently insufficient to determine the role of this variant in disease. Therefore, it has been classified as a Variant of Uncertain Significance. Advanced modeling of protein sequence and biophysical properties (such as structural, functional, and spatial information, amino acid conservation, physicochemical variation, residue mobility, and thermodynamic stability) performed at Invitae indicates that this missense variant is not expected to disrupt NOTCH1 protein function. ClinVar contains an entry for this variant (Variation ID: 477947). This variant has not been reported in the literature in individuals affected with NOTCH1-related conditions. This variant is present in population databases (no rsID available, gnomAD 0.0009%). This sequence change replaces leucine, which is neutral and non-polar, with valine, which is neutral and non-polar, at codon 1834 of the NOTCH1 protein (p.Leu1834Val).